The following is an entry in ClinVar:

ClinVar aggregate classification (germline): Uncertain significance (1 of 4 stars; one submission).

Conditions:
Hereditary cancer-predisposing syndrome. Also called: Neoplastic Syndromes, Hereditary; Tumor predisposition; Hereditary Cancer Syndrome; Hereditary neoplastic syndrome. Identifiers: Orphanet 140162, MedGen C0027672, MeSH D009386, MONDO:0015356.

Submission:

Ambry Genetics
Classification: Uncertain significance for Hereditary cancer-predisposing syndrome. Last evaluated: 2026-06-03. Review status: criteria provided, single submitter. Criteria: Ambry Variant Classification Scheme 2023. Collection method: clinical testing. Allele origin: germline.
Comment: The p.K279R variant (also known as c.836A>G), located in coding exon 4 of the PALB2 gene, results from an A to G substitution at nucleotide position 836. The lysine at codon 279 is replaced by arginine, an amino acid with highly similar properties. This amino acid position is conserved. In addition, this alteration is predicted to be tolerated by in silico analysis. Based on the available evidence, the clinical significance of this variant remains unclear.

NM_024675.4(PALB2):c.836A>G (p.Lys279Arg)

Gene: PALB2 (partner and localizer of BRCA2; minus strand). Cytogenetic location: 16p12.2.
Variant type: single nucleotide variant.
Coding change: c.836A>G on transcript NM_024675.4 (MANE Select); coding-DNA position 836, A replaced by G.
Protein change: p.Lys279Arg; replaces lysine 279 with arginine.
Molecular consequence: missense variant. On other transcripts: 5 prime UTR variant (8), intron variant (3).
Genome position (GRCh38, 1-based): chr16:23,635,710, T>C on the plus strand (A>G on the coding strand, the complement: PALB2 is on the minus strand). VCF-style: chr16-23635710-T-C. GRCh37 (hg19) VCF-style: chr16-23647031-T-C.
Other names: c.776A>G, p.Lys259Arg (NM_001407296.1); c.836A>G, p.Lys279Arg (NM_001407297.1, NM_001407298.1, NM_001407299.1 and 3 more transcripts); c.-50A>G (NM_001407304.1, NM_001407305.1, NM_001407306.1 and 5 more transcripts); c.48+5400A>G (NM_001407314.1); c.-104-5241A>G (NM_001407313.1, NM_001407312.1); short protein forms K259R, K279R.
Identifiers: ClinVar variation 4861512 (VCV004861512.1).